The following is an entry in ClinVar:

ClinVar aggregate classification (germline): Pathogenic. Review status: criteria provided, multiple submitters, no conflicts (2 of 4 stars). 3 submissions from 3 submitters: Pathogenic (3). Last evaluated 2025-11-05.

Conditions:
Hereditary nonpolyposis colorectal neoplasms. Identifiers: MedGen C0009405, MeSH D003123.
Hereditary cancer-predisposing syndrome. Also called: Neoplastic Syndromes, Hereditary; Hereditary Cancer Syndrome; Hereditary neoplastic syndrome; Tumor predisposition. Identifiers: Orphanet 140162, MedGen C0027672, MeSH D009386, MONDO:0015356.
Lynch syndrome 4 (LYNCH4). Also called: Hereditary non-polyposis colorectal cancer, type 4; Colorectal cancer, hereditary nonpolyposis, type 4. Identifiers: Orphanet 144, MedGen C1838333, MONDO:0013699, OMIM 614337. Disease mechanism: loss of function.

Submissions (3):

Labcorp Genetics (formerly Invitae), Labcorp
Classification: Pathogenic for Hereditary nonpolyposis colorectal neoplasms. Last evaluated: 2025-11-05. Review status: criteria provided, single submitter. Criteria: Invitae Variant Classification Sherloc (09022015). Collection method: clinical testing. Allele origin: germline.
Comment: This sequence change creates a premature translational stop signal (p.Glu2*) in the PMS2 gene. It is expected to result in an absent or disrupted protein product. Loss-of-function variants in PMS2 are known to be pathogenic (PMID: 21376568, 24362816). This variant is not present in population databases (gnomAD no frequency). This variant has not been reported in the literature in individuals affected with PMS2-related conditions. ClinVar contains an entry for this variant (Variation ID: 1458829). For these reasons, this variant has been classified as Pathogenic.

Ambry Genetics
Classification: Pathogenic for Hereditary cancer-predisposing syndrome. Last evaluated: 2025-01-06. Review status: criteria provided, single submitter. Criteria: Ambry Variant Classification Scheme 2023. Collection method: clinical testing. Allele origin: germline.
Comment: The p.E2* pathogenic mutation (also known as c.4G>T), located in coding exon 1 of the PMS2 gene, results from a G to T substitution at nucleotide position 4. This changes the amino acid from a glutamic acid to a stop codon within coding exon 1. This variant is considered to be rare based on population cohorts in the Genome Aggregation Database (gnomAD). This alteration is expected to result in loss of function by premature protein truncation or nonsense-mediated mRNA decay. As such, this alteration is interpreted as a disease-causing mutation.

Myriad Genetics, Inc.
Classification: Pathogenic for Lynch syndrome 4. Last evaluated: 2023-10-09. Review status: criteria provided, single submitter. Criteria: Myriad Autosomal Dominant, Autosomal Recessive and X-Linked Classification Criteria (2023). Collection method: clinical testing. Allele origin: unknown.
Comment: This variant is considered pathogenic. This variant creates a termination codon and is predicted to result in premature protein truncation.

Literature cited by the submitters: PubMed 21376568 (cited by Labcorp Genetics (formerly Invitae), Labcorp); PubMed 24362816 (cited by Labcorp Genetics (formerly Invitae), Labcorp).

NM_000535.7(PMS2):c.4G>T (p.Glu2Ter)

Gene: PMS2 (PMS1 homolog 2, mismatch repair system component; minus strand). Cytogenetic location: 7p22.1.
Variant type: single nucleotide variant.
Coding change: c.4G>T on transcript NM_000535.7 (MANE Select); coding-DNA position 4, G replaced by T.
Protein change: p.Glu2Ter; replaces glutamic acid 2 with a stop codon.
Molecular consequence: nonsense. On other transcripts: 5 prime UTR variant (11), non-coding transcript variant (1).
Genome position (GRCh38, 1-based): chr7:6,009,016, C>A on the plus strand (G>T on the coding strand, the complement: PMS2 is on the minus strand). VCF-style: chr7-6009016-C-A. GRCh37 (hg19) VCF-style: chr7-6048647-C-A.
Other names: c.-397G>T (NM_001322003.2, NM_001322013.2); c.-262G>T (NM_001322004.2, NM_001322010.2); c.-592G>T (NM_001322005.2); c.4G>T, p.Glu2Ter (NM_001322006.2, NM_001322014.2); c.-212G>T (NM_001322007.2); c.-72G>T (NM_001322008.2); c.-587G>T (NM_001322009.2); c.-881G>T (NM_001322011.2); and 2 more; short protein forms E2*.
Identifiers: ClinVar variation 1458829 (VCV001458829.10), dbSNP rs1554309080, ClinGen allele CA366745246.